The following is an entry in ClinVar:

ClinVar aggregate classification (germline): Uncertain significance (1 of 4 stars; one submission).

Conditions:
Primary ciliary dyskinesia 23 (CILD23). Also called: CILIARY DYSKINESIA, PRIMARY, 23, WITH OR WITHOUT SITUS INVERSUS. Identifiers: Orphanet 244, MedGen C3809548, MONDO:0014193, OMIM 615451.

Allele frequency attached by ClinVar (database versions not stated): gnomAD exomes below 0.00001.
gnomAD v4.1: 3 of 1,614,154 alleles (0.00019%); highest among the groups gnomAD compares: Non-Finnish European, 0.00025%; no homozygotes.

Submission:

Labcorp Genetics (formerly Invitae), Labcorp
Classification: Uncertain significance for Primary ciliary dyskinesia 23. Last evaluated: 2021-03-29. Review status: criteria provided, single submitter. Criteria: Invitae Variant Classification Sherloc (09022015). Collection method: clinical testing. Allele origin: germline.
Comment: This sequence change replaces methionine with arginine at codon 476 of the ARMC4 protein (p.Met476Arg). The methionine residue is moderately conserved and there is a moderate physicochemical difference between methionine and arginine. In summary, the available evidence is currently insufficient to determine the role of this variant in disease. Therefore, it has been classified as a Variant of Uncertain Significance. Algorithms developed to predict the effect of sequence changes on RNA splicing suggest that this variant may create or strengthen a splice site, but this prediction has not been confirmed by published transcriptional studies. Algorithms developed to predict the effect of missense changes on protein structure and function are either unavailable or do not agree on the potential impact of this missense change (SIFT: "Deleterious"; PolyPhen-2: "Possibly Damaging"; Align-GVGD: "Class C0"). This variant has not been reported in the literature in individuals with ARMC4-related conditions. This variant is not present in population databases (ExAC no frequency).

NM_018076.5(ODAD2):c.1427T>G (p.Met476Arg)

Gene: ODAD2 (outer dynein arm docking complex subunit 2; minus strand). Cytogenetic location: 10p12.1.
Variant type: single nucleotide variant.
Coding change: c.1427T>G on transcript NM_018076.5 (MANE Select); coding-DNA position 1427, T replaced by G.
Protein change: p.Met476Arg; replaces methionine 476 with arginine.
Molecular consequence: missense variant. On other transcripts: initiator codon variant (1).
Genome position (GRCh38, 1-based): chr10:27,944,922, A>C on the plus strand (T>G on the coding strand, the complement: ODAD2 is on the minus strand). VCF-style: chr10-27944922-A-C. GRCh37 (hg19) VCF-style: chr10-28233851-A-C.
Other names: c.1427T>G, p.Met476Arg (NM_001290020.2); c.2T>G, p.Met1Arg (NM_001290021.2); c.503T>G, p.Met168Arg (NM_001312689.2); short protein forms M168R, M1R, M476R.
Identifiers: ClinVar variation 1681378 (VCV001681378.8), dbSNP rs2132637044, ClinGen allele CA376393538.
Genomic context (GRCh38, chr10:27,944,922, plus strand): 5'-AGGCCTCCAACATCTCTGATGGCCAACTGGCAGGTTTCTTGAGCTAAGCTGAAATCCCTC[A>C]TTGAACACAACGCAATCACTGTAGCTGTTTGATTTCCTCCCTACAAAGATGCAATGCCAG-3'
Protein context (NP_060546.2, residues 466-486): QTATVIALCS[Met476Arg]RDFSLAQETC